The following is an entry in ClinVar:

ClinVar aggregate classification (germline): Pathogenic (1 of 4 stars; one submission).

Conditions:
Primary ciliary dyskinesia. Also called: Ciliary dyskinesia. Identifiers: Orphanet 244, MedGen C0008780, MONDO:0016575, HP:0012265.

Submission:

Labcorp Genetics (formerly Invitae), Labcorp
Classification: Pathogenic for Primary ciliary dyskinesia. Last evaluated: 2022-07-19. Review status: criteria provided, single submitter. Criteria: Invitae Variant Classification Sherloc (09022015). Collection method: clinical testing. Allele origin: germline.
Comment: For these reasons, this variant has been classified as Pathogenic. ClinVar contains an entry for this variant (Variation ID: 1073621). This variant has not been reported in the literature in individuals affected with DNAH5-related conditions. This variant is not present in population databases (gnomAD no frequency). This sequence change creates a premature translational stop signal (p.Thr2269Profs*7) in the DNAH5 gene. It is expected to result in an absent or disrupted protein product. Loss-of-function variants in DNAH5 are known to be pathogenic (PMID: 11788826, 16627867).

Literature cited by the submitters: PubMed 11788826; PubMed 16627867.

NM_001369.3(DNAH5):c.6804del (p.Thr2269fs)

Gene: DNAH5 (dynein axonemal heavy chain 5; minus strand). Cytogenetic location: 5p15.2.
Variant type: Deletion.
Coding change: c.6804del on transcript NM_001369.3 (MANE Select); coding-DNA position 6804, one base deleted (G; older notation c.6804delG).
Protein change: p.Thr2269fs; shifts the reading frame from threonine 2269.
Molecular consequence: frameshift variant.
Genome position (GRCh38, 1-based): chr5:13,820,383, C deleted on the plus strand (G on the coding strand, the reverse complement: DNAH5 is on the minus strand). VCF-style (leftmost placement, unchanged base first): chr5-13820382-TC-T. GRCh37 (hg19) VCF-style: chr5-13820491-TC-T.
Other names: short protein forms T2269fs.
Identifiers: ClinVar variation 1073621 (VCV001073621.7), dbSNP rs2151814213, ClinGen allele CA2499217628.